The following is an entry in ClinVar:

NM_000748.3(CHRNB2):c.297del (p.Phe99fs)

Gene: CHRNB2 (cholinergic receptor nicotinic beta 2 subunit; plus strand). Cytogenetic location: 1q21.3.
Variant type: Deletion.
Coding change: c.297del on transcript NM_000748.3 (MANE Select); coding-DNA position 297, one base deleted (T; older notation c.297delT).
Protein change: p.Phe99fs; shifts the reading frame from phenylalanine 99.
Molecular consequence: frameshift variant.
Genome position (GRCh38, 1-based): chr1:154,570,299, T deleted; the last of 3 consecutive T bases (chr1:154,570,297-154,570,299); deleting any one gives the same sequence. VCF-style (leftmost placement, unchanged base first): chr1-154570296-GT-G. GRCh37 (hg19) VCF-style: chr1-154542772-GT-G.
Other names: short protein forms F99fs.
Identifiers: ClinVar variation 1005287 (VCV001005287.6), dbSNP rs1696138351, ClinGen allele CA2480924840.

ClinVar aggregate classification (germline): Uncertain significance (1 of 4 stars; one submission).

Conditions:
Familial sleep-related hypermotor epilepsy. Also called: Autosomal Dominant Sleep-Related Hypermotor (Hyperkinetic) Epilepsy. Identifiers: Orphanet 98784, MedGen C3696898, MONDO:0000030.

Submission:

Labcorp Genetics (formerly Invitae), Labcorp
Classification: Uncertain significance. Last evaluated: 2020-04-14. Review status: criteria provided, single submitter. Criteria: Invitae Variant Classification Sherloc (09022015). Collection method: clinical testing. Allele origin: germline.
Comment: This sequence change creates a premature translational stop signal (p.Phe99Leufs*4) in the CHRNB2 gene. It is expected to result in an absent or disrupted protein product. This variant is not present in population databases (ExAC no frequency). This variant has not been reported in the literature in individuals with CHRNB2-related conditions. The current clinical and genetic evidence is not sufficient to establish whether loss-of-function variants in CHRNB2 cause disease. In summary, the available evidence is currently insufficient to determine the role of this variant in disease. Therefore, it has been classified as a Variant of Uncertain Significance.